The following is an entry in ClinVar:

ClinVar aggregate classification (germline): Benign. Review status: criteria provided, multiple submitters, no conflicts (2 of 4 stars). 2 submissions from 2 submitters: Benign (2). Last evaluated 2018-06-14.

Allele frequency attached by ClinVar (database versions not stated): 1000 Genomes Project 30x 0.78076; gnomAD 0.76275 and 0.75970; 1000 Genomes Project 0.77835; TOPMed 0.75240.
gnomAD v4.1: 115,870 of 152,132 alleles (76%); highest among the groups gnomAD compares: East Asian, 86%; 44,236 homozygotes.

Submissions (2):

GeneDx
Classification: Benign. Last evaluated: 2018-06-14. Review status: criteria provided, single submitter. Criteria: GeneDx Variant Classification (06012015). Collection method: clinical testing. Allele origin: germline. Affected: yes.
Comment: This variant is considered likely benign or benign based on one or more of the following criteria: it is a conservative change, it occurs at a poorly conserved position in the protein, it is predicted to be benign by multiple in silico algorithms, and/or has population frequency not consistent with disease.

Breakthrough Genomics
Classification: Benign. Review status: criteria provided, single submitter. Criteria: ACMG Guidelines, 2015. Collection method: not provided. Allele origin: germline. Inheritance: Autosomal recessive inheritance. Affected: yes.

NM_000532.5(PCCB):c.1498+278A>G

Gene: PCCB (propionyl-CoA carboxylase subunit beta; plus strand). Cytogenetic location: 3q22.3.
Variant type: single nucleotide variant.
Coding change: c.1498+278A>G on transcript NM_000532.5 (MANE Select); 278 bases into the intron after coding-DNA position 1498, A replaced by G.
Molecular consequence: intron variant.
Genome position (GRCh38, 1-based): chr3:136,329,135, A>G. VCF-style: chr3-136329135-A-G. GRCh37 (hg19) VCF-style: chr3-136047977-A-G.
Other names: c.1558+278A>G (NM_001178014.2).
Identifiers: ClinVar variation 683379 (VCV000683379.2), dbSNP rs483465, ClinGen allele CA11628360.